The following is an entry in ClinVar:

ClinVar aggregate classification (germline): Likely benign (1 of 4 stars; one submission).

Allele frequency attached by ClinVar (database versions not stated): 1000 Genomes Project 30x 0.00265; 1000 Genomes Project 0.00280; TOPMed 0.00361; gnomAD 0.00398; ESP Exome Variant Server 0.00454; gnomAD exomes 0.00556.
gnomAD v4.1: 8,685 of 1,614,238 alleles (0.54%); highest among the groups gnomAD compares: Non-Finnish European, 0.61%; 33 homozygotes.

Submission:

CeGaT Center for Human Genetics Tuebingen
Classification: Likely benign. Last evaluated: 2023-04-01. Review status: criteria provided, single submitter. Criteria: CeGaT Center For Human Genetics Tuebingen Variant Classification Criteria Version 2. Collection method: clinical testing. Allele origin: germline. Affected: yes. Observed: 1 variant allele.
Comment: MNMIP1: BP4, BP7, BS2

NM_001162530.2(MNMIP1):c.2013G>C (p.Ala671=)

Gene: MNMIP1 (manchette microtubule inner protein 1; plus strand). Cytogenetic location: 1p34.3.
Variant type: single nucleotide variant.
Coding change: c.2013G>C on transcript NM_001162530.2 (MANE Select); coding-DNA position 2013, G replaced by C.
Protein change: p.Ala671=; no amino-acid change (alanine 671 retained).
Molecular consequence: synonymous variant.
Genome position (GRCh38, 1-based): chr1:36,320,676, G>C. VCF-style: chr1-36320676-G-C. GRCh37 (hg19) VCF-style: chr1-36786277-G-C.
Other names: c.1680G>C, p.Ala560= (NM_024676.5).
Identifiers: ClinVar variation 2638670 (VCV002638670.24), dbSNP rs144425061, ClinGen allele CA767216.